The following is an entry in ClinVar:

ClinVar aggregate classification (germline): Uncertain significance (1 of 4 stars; one submission).

Allele frequency attached by ClinVar (database versions not stated): gnomAD exomes below 0.00001; TOPMed below 0.00001.
gnomAD v4.1: 1 of 1,614,092 alleles (0.000062%); highest among the groups gnomAD compares: Non-Finnish European, 0.000085%; no homozygotes.

Submission:

Ambry Genetics
Classification: Uncertain significance. Last evaluated: 2023-01-26. Review status: criteria provided, single submitter. Criteria: Ambry Variant Classification Scheme 2023. Collection method: clinical testing. Allele origin: germline.
Comment: The p.L272P variant (also known as c.815T>C), located in coding exon 1 of the EGLN1 gene, results from a T to C substitution at nucleotide position 815. The leucine at codon 272 is replaced by proline, an amino acid with similar properties. This amino acid position is highly conserved in available vertebrate species. In addition, this alteration is predicted to be deleterious by in silico analysis. The evidence for this gene-disease relationship is limited; therefore, the clinical significance of this alteration is unclear.

NM_022051.3(EGLN1):c.815T>C (p.Leu272Pro)

Genes: EGLN1 (egl-9 family hypoxia inducible factor 1; minus strand), LOC129932769 (ATAC-STARR-seq lymphoblastoid active region 2730; plus strand). Cytogenetic location: 1q42.2.
Variant type: single nucleotide variant.
Coding change: c.815T>C on transcript NM_022051.3 (MANE Select); coding-DNA position 815, T replaced by C.
Protein change: p.Leu272Pro; replaces leucine 272 with proline.
Molecular consequence: missense variant.
Genome position (GRCh38, 1-based): chr1:231,421,074, A>G on the plus strand (T>C on the coding strand, the complement: EGLN1 is on the minus strand). VCF-style: chr1-231421074-A-G. GRCh37 (hg19) VCF-style: chr1-231556820-A-G.
Other names: c.815T>C, p.Leu272Pro (NM_001377260.1, NM_001377261.1); short protein forms L272P.
Identifiers: ClinVar variation 2450380 (VCV002450380.2), dbSNP rs1656574861, ClinGen allele CA345235076.